The following is an entry in ClinVar:

ClinVar aggregate classification (germline): Pathogenic. Review status: criteria provided, multiple submitters, no conflicts (2 of 4 stars). 16 submissions from 12 submitters: Pathogenic (12). 4 of the submissions do not count toward it. Last evaluated 2025-12-10.

Conditions:
TNNT2-related disorder. Also called: TNNT2-related condition.
Cardiovascular phenotype. Identifiers: MedGen CN230736.
Cardiomyopathy (CMYO). Also called: Cardiomyopathies. Identifiers: Orphanet 167848, MedGen C0878544, MONDO:0004994, HP:0001638. Inheritance: Various modes of inheritance.
Hypertrophic cardiomyopathy 2. Also called: TNNT2-Related Familial Hypertrophic Cardiomyopathy. Identifiers: MedGen C1861864, MONDO:0007266, OMIM 115195.
Cardiomyopathy, familial restrictive, 3. Identifiers: Orphanet 75249, MedGen C2676271, MONDO:0012900, OMIM 612422.
Dilated cardiomyopathy 1D. Identifiers: Orphanet 154, Orphanet 54260, MedGen C1832243, MONDO:0011095, OMIM 601494.
Hypertrophic cardiomyopathy. Also called: HYPERTROPHIC MYOCARDIOPATHY. Identifiers: Orphanet 217569, MedGen C0007194, MeSH D002312, MONDO:0005045, HP:0001639.

Allele frequency attached by ClinVar (database versions not stated): gnomAD exomes below 0.00001; gnomAD 0.00001; TOPMed 0.00001.
gnomAD v4.1: 2 of 1,613,916 alleles (0.00012%); highest among the groups gnomAD compares: Non-Finnish European, 0.00017%; no homozygotes.

Submissions (16):

Labcorp Genetics (formerly Invitae), Labcorp
Classification: Pathogenic for Cardiomyopathy, familial restrictive, 3; Hypertrophic cardiomyopathy 2; Dilated cardiomyopathy 1D. Last evaluated: 2025-12-10. Review status: criteria provided, single submitter. Criteria: Invitae Variant Classification Sherloc (09022015). Collection method: clinical testing. Allele origin: germline.
Comment: This sequence change replaces isoleucine, which is neutral and non-polar, with asparagine, which is neutral and polar, at codon 79 of the TNNT2 protein (p.Ile79Asn). This variant is present in population databases (rs121964855, gnomAD 0.0009%). This missense change has been observed in individual(s) with hypertrophic cardiomyopathy (PMID: 8205619, 18651846, 26914223, 27532257). It has also been observed to segregate with disease in related individuals. ClinVar contains an entry for this variant (Variation ID: 12408). Invitae Evidence Modeling of protein sequence and biophysical properties (such as structural, functional, and spatial information, amino acid conservation, physicochemical variation, residue mobility, and thermodynamic stability) indicates that this missense variant is not expected to disrupt TNNT2 protein function with a negative predictive value of 80%. Experimental studies have shown that this missense change affects TNNT2 function (PMID: 10085122, 10617660, 11060291, 11113119, 21683708, 23663841). For these reasons, this variant has been classified as Pathogenic.

Revvity Omics, Revvity
Classification: Pathogenic. Last evaluated: 2025-01-23. Review status: criteria provided, single submitter. Criteria: ACMG Guidelines, 2015. Collection method: clinical testing. Allele origin: germline.

Blueprint Genetics
Classification: Pathogenic for TNNT2-related disorders. Last evaluated: 2024-07-25. Review status: criteria provided, single submitter. Criteria: ACMG Guidelines, 2015. Collection method: clinical testing. Allele origin: germline. Affected: yes. Observed: 5 variant alleles.

Genome-Nilou Lab
Classification: Pathogenic for Dilated cardiomyopathy 1D. Last evaluated: 2023-04-11. Review status: criteria provided, single submitter. Criteria: ACMG Guidelines, 2015. Collection method: clinical testing. Allele origin: germline. Affected: no.

Genome-Nilou Lab
Classification: Pathogenic for Cardiomyopathy, familial restrictive, 3. Last evaluated: 2023-04-11. Review status: criteria provided, single submitter. Criteria: ACMG Guidelines, 2015. Collection method: clinical testing. Allele origin: germline. Affected: no.

Genome-Nilou Lab
Classification: Pathogenic for Hypertrophic cardiomyopathy 2. Last evaluated: 2023-04-11. Review status: criteria provided, single submitter. Criteria: ACMG Guidelines, 2015. Collection method: clinical testing. Allele origin: germline. Affected: no.

Laboratory for Molecular Medicine, Mass General Brigham Personalized Medicine
Classification: Pathogenic for Hypertrophic cardiomyopathy. Last evaluated: 2022-08-24. Review status: criteria provided, single submitter. Criteria: ACMG Guidelines, 2015. Collection method: clinical testing. Allele origin: germline. Inheritance: Autosomal dominant inheritance.
Comment: The p.Ile79Asn variant in TNNT2 has been reported in >10 individuals with HCM and segregated with disease in >15 affected relatives from two families (Thierfelder 1994 PMID: 8205619, Watkins 1995 PMID: 7898523, Varnava 2001 PMID: 11560853, Menon 2008 PMID: 18651846, Murphy 2016 PMID: 26914223, Walsh 201 PMID:27532257, LMM data). This variant has also been identified in 0.001% (1/68028) European chromosomes by gnomAD (v.3.1). In vitro functional studies and animal models suggest that the p.Ile79Asn variant may impact protein function (Yanaga 1999 PMID: 10085122, Miller 2001 PMID: 11060294, Knollmann 2001 PMID: 11113119) and computational prediction tools and conservation analyses are consistent with pathogenicity. In summary, this variant meets criteria to be classified as pathogenic for autosomal dominant HCM. ACMG/AMP Criteria applied: PS4_Moderate, PP1_Strong, PM2_Supporting, PS3_Moderate, PP3.

Ambry Genetics
Classification: Pathogenic for Cardiovascular phenotype. Last evaluated: 2022-06-23. Review status: criteria provided, single submitter. Criteria: Ambry General Variant Classification Scheme_2022. Collection method: clinical testing. Allele origin: germline. Observed: 1 variant allele.
Comment: The p.I79N pathogenic mutation (also known as c.236T>A), located in coding exon 7 of the TNNT2 gene, results from a T to A substitution at nucleotide position 236. The isoleucine at codon 79 is replaced by asparagine, an amino acid with dissimilar properties. This mutation has been observed in multiple unrelated individuals with hypertrophic cardiomyopathy and/or sudden cardiac death, and has been shown to segregate with disease in families (Thierfelder L et al. Cell 1994;77(5):701-12; Watkins HN et al. Engl J Med. 1995;332(16):1058-64; Varnava AM et al. Circulation 2001;104(12):1380-4). In one family, this mutation was identified in members with variable presentations, including features of hypertrophic, restrictive, or dilated cardiomyopathy (Menon SC et al. Clin Genet. 2008;74(5):445-54). Multiple in vitro functional studies and mice models have demonstrated abnormal protein function with altered calcium sensitivity, impairment of the inhibitory action of troponin I, and enhanced contractility of cardiac muscle (Yanaga F et al. J Biol Chem. 1999;274(13):8806-12; Szczesna D et al. J Biol Chem. 2000;275(1):624-30; Miller T et al. J Biol Chem. 2001;276(6):3743-55; Knollmann BC. J Biol Chem. 2001;276(13):10039-48; Sommese RF et al. PLoS ONE. 2013;8(12):e83403). This variant is considered to be rare based on population cohorts in the Genome Aggregation Database (gnomAD). In addition, this alteration is predicted to be deleterious by in silico analysis. Based on the supporting evidence, this alteration is interpreted as a disease-causing mutation.

GeneDx
Classification: Pathogenic. Last evaluated: 2022-02-15. Review status: criteria provided, single submitter. Criteria: GeneDx Variant Classification Process June 2021. Collection method: clinical testing. Allele origin: germline. Affected: yes.
Comment: Not observed at a significant frequency in large population cohorts (gnomAD); Multiple functional studies suggest that p.(I79N) impacts myofilament calcium sensitivity (Yanaga et al., 1999; Szczesna et al., 2000; Knollman et al., 2001; Miller et al., 2001; Sommese et al., 2013; Wang et al., 2018); In silico analysis supports that this missense variant has a deleterious effect on protein structure/function; This variant is associated with the following publications: (PMID: 23663841, 11060294, 10617660, 21683708, 24367593, 26914223, 18651846, 21310275, 27532257, 28166811, 7898523, 8205619, 11113119, 22144547, 28241245, 23396983, 28640247, 28615295, 24510615, 11060291, 29217433, 31006259, 33673806, 33025817, 10085122)

Mayo Clinic Laboratories, Mayo Clinic
Classification: Pathogenic. Last evaluated: 2019-04-08. Review status: criteria provided, single submitter. Criteria: ACMG Guidelines, 2015. Collection method: clinical testing. Allele origin: germline. Observed: 1 variant allele.
Comment: PS3, PS4, PP1_Strong, PM2, PP3

CHEO Genetics Diagnostic Laboratory, Children's Hospital of Eastern Ontario
Classification: Pathogenic for Cardiomyopathy. Last evaluated: 2017-12-18. Review status: criteria provided, single submitter. Criteria: ACMG Guidelines, 2015. Collection method: clinical testing. Allele origin: germline.

Stanford Center for Inherited Cardiovascular Disease, Stanford University
Classification: Pathogenic. Last evaluated: 2014-07-23. Review status: criteria provided, single submitter. Criteria: ACMG Guidelines, 2015. Collection method: provider interpretation. Allele origin: germline.

OMIM
Classification: Pathogenic for CARDIOMYOPATHY, FAMILIAL HYPERTROPHIC, 2. Last evaluated: 2008-11-01. Review status: no assertion criteria provided. Collection method: literature only. Allele origin: germline. Not counted in ClinVar's aggregate classification.

OMIM
Classification: Pathogenic for CARDIOMYOPATHY, DILATED, 1D. Last evaluated: 2008-11-01. Review status: no assertion criteria provided. Collection method: literature only. Allele origin: germline. Not counted in ClinVar's aggregate classification.

OMIM
Classification: Pathogenic for CARDIOMYOPATHY, FAMILIAL, RESTRICTIVE, 3. Last evaluated: 2008-11-01. Review status: no assertion criteria provided. Collection method: literature only. Allele origin: germline. Not counted in ClinVar's aggregate classification.

Genomics England Pilot Project, Genomics England
Classification: Likely pathogenic for Hypertrophic cardiomyopathy 2. Review status: no assertion criteria provided. Criteria: ACGS Guidelines, 2016. Collection method: clinical testing. Allele origin: germline. Affected: yes. Not counted in ClinVar's aggregate classification.

Literature cited by the submitters: PubMed 8205619 (cited by 5 submitters); PubMed 18651846 (cited by 5 submitters); PubMed 26914223 (cited by 4 submitters); PubMed 27532257 (cited by 4 submitters); PubMed 10085122 (cited by 4 submitters); PubMed 10617660 (cited by 3 submitters); PubMed 11060291 (cited by Labcorp Genetics (formerly Invitae), Labcorp); PubMed 11113119 (cited by 4 submitters); PubMed 21683708 (cited by 3 submitters); PubMed 23663841 (cited by 3 submitters); PubMed 11606294 (cited by Laboratory for Molecular Medicine, Mass General Brigham Personalized Medicine and Ambry Genetics); PubMed 11560853 (cited by Laboratory for Molecular Medicine, Mass General Brigham Personalized Medicine and Ambry Genetics); PubMed 7898523 (cited by 3 submitters); PubMed 11060294 (cited by Laboratory for Molecular Medicine, Mass General Brigham Personalized Medicine and Ambry Genetics); PubMed 24367593 (cited by Ambry Genetics).

NM_001276345.2(TNNT2):c.266T>A (p.Ile89Asn)

Gene: TNNT2 (troponin T2, cardiac type; minus strand). Cytogenetic location: 1q32.1.
Variant type: single nucleotide variant.
Coding change: c.266T>A on transcript NM_001276345.2 (MANE Select); coding-DNA position 266, T replaced by A.
Protein change: p.Ile89Asn; replaces isoleucine 89 with asparagine.
Molecular consequence: missense variant.
Genome position (GRCh38, 1-based): chr1:201,365,638, A>T on the plus strand (T>A on the coding strand, the complement: TNNT2 is on the minus strand). VCF-style: chr1-201365638-A-T. GRCh37 (hg19) VCF-style: chr1-201334766-A-T.
Other names: p.I79N:ATC>AAC; c.266T>A, p.Ile89Asn (NM_000364.4); c.236T>A, p.Ile79Asn (NM_001001430.3, NM_001001431.3, NM_001276347.2); c.221T>A, p.Ile74Asn (NM_001001432.3); c.263T>A, p.Ile88Asn (NM_001276346.2); short protein forms I79N, I89N, I74N, I88N.
Identifiers: ClinVar variation 12408 (VCV000012408.38), dbSNP rs121964855, ClinGen allele CA004157.
Genomic context (GRCh38, chr1:201,365,638, plus strand): 5'-CCAGGCCTACTCAACCCACAGCCACCGCTTACATCAAAGTCCACTCTCTCTCCATCGGGG[A>T]TCTTGGGAGGCACCAAGTTGGGCATGAACGACCTGTTGGAGAGAGGAATAGTCAGCATCA-3'
Protein context (NP_001263274.1, residues 79-99): SFMPNLVPPK[Ile89Asn]PDGERVDFDD